The following is an entry in ClinVar:

ClinVar aggregate classification (germline): Pathogenic (1 of 4 stars; one submission).

Conditions:
Intellectual developmental disorder, autosomal dominant 6, with or without seizures. Also called: GRIN2B-related developmental delay, intellectual disability and autism spectrum disorder; Intellectual disability, autosomal dominant 6. Identifiers: Orphanet 589547, MedGen C3151411, MONDO:0013509, OMIM 613970.

Submission:

Institute of Human Genetics, University of Leipzig Medical Center
Classification: Pathogenic for Intellectual developmental disorder, autosomal dominant 6, with or without seizures. Last evaluated: 2017-04-04. Review status: criteria provided, single submitter. Criteria: ACMG Guidelines, 2015. Collection method: clinical testing. Allele origin: de novo. Affected: yes.
Comment: This variant was identified as de novo (maternity and paternity confirmed).

Literature cited by the submitters: PubMed 28377535.

NM_000834.5(GRIN2B):c.737C>A (p.Ser246Ter)

Gene: GRIN2B (glutamate ionotropic receptor NMDA type subunit 2B; minus strand). Cytogenetic location: 12p13.1.
Variant type: single nucleotide variant.
Coding change: c.737C>A on transcript NM_000834.5 (MANE Select); coding-DNA position 737, C replaced by A.
Protein change: p.Ser246Ter; replaces serine 246 with a stop codon.
Molecular consequence: nonsense.
Genome position (GRCh38, 1-based): chr12:13,753,590, G>T on the plus strand (C>A on the coding strand, the complement: GRIN2B is on the minus strand). VCF-style: chr12-13753590-G-T. GRCh37 (hg19) VCF-style: chr12-13906524-G-T.
Other names: short protein forms S246*.
Identifiers: ClinVar variation 916596 (VCV000916596.1), dbSNP rs1863527228, ClinGen allele CA384053661.
Genomic context (GRCh38, chr12:13,753,590, plus strand): 5'-GTATCCCCTGCCACCAGACTGGGCACGATCCACGTGTAGCCATAGCCAGTCAGCCCTACT[G>T]AGTTGGCCACTTCAAAGATGTAGGTGGCTTCTTCCTTGGTACAGTAAAGAAGAATGATGG-3'